The following is an entry in ClinVar:

ClinVar aggregate classification (germline): Uncertain significance (1 of 4 stars; one submission).

Conditions:
Hereditary cancer-predisposing syndrome. Also called: Tumor predisposition; Neoplastic Syndromes, Hereditary; Hereditary Cancer Syndrome; Hereditary neoplastic syndrome. Identifiers: Orphanet 140162, MedGen C0027672, MeSH D009386, MONDO:0015356.

Submission:

Ambry Genetics
Classification: Uncertain significance for Hereditary cancer-predisposing syndrome. Last evaluated: 2024-08-17. Review status: criteria provided, single submitter. Criteria: Ambry Variant Classification Scheme 2023. Collection method: clinical testing. Allele origin: germline.
Comment: The p.V284L variant (also known as c.850G>C), located in coding exon 7 of the EPCAM gene, results from a G to C substitution at nucleotide position 850. The valine at codon 284 is replaced by leucine, an amino acid with highly similar properties. This amino acid position is conserved. In addition, this alteration is predicted to be tolerated by in silico analysis. Based on the available evidence, the clinical significance of this variant remains unclear.

NM_002354.3(EPCAM):c.850G>C (p.Val284Leu)

Gene: EPCAM (epithelial cell adhesion molecule; plus strand). Cytogenetic location: 2p21.
Variant type: single nucleotide variant.
Coding change: c.850G>C on transcript NM_002354.3 (MANE Select); coding-DNA position 850, G replaced by C.
Protein change: p.Val284Leu; replaces valine 284 with leucine.
Molecular consequence: missense variant.
Genome position (GRCh38, 1-based): chr2:47,379,961, G>C. VCF-style: chr2-47379961-G-C. GRCh37 (hg19) VCF-style: chr2-47607100-G-C.
Other names: short protein forms V284L.
Identifiers: ClinVar variation 3509175 (VCV003509175.1).